The following is an entry in ClinVar:

ClinVar aggregate classification (germline): Uncertain significance (1 of 4 stars; one submission).

Submission:

GeneDx
Classification: Uncertain significance. Last evaluated: 2026-03-12. Review status: criteria provided, single submitter. Criteria: GeneDx Variant Classification Process June 2021. Collection method: clinical testing. Allele origin: germline.
Comment: Not observed at significant frequency in large population cohorts (gnomAD); In silico analysis supports that this missense variant has a deleterious effect on protein structure/function; Has not been previously published as pathogenic or benign to our knowledge

NM_000540.3(RYR1):c.7973C>T (p.Pro2658Leu)

Gene: RYR1 (ryanodine receptor 1; plus strand). Cytogenetic location: 19q13.2.
Variant type: single nucleotide variant.
Coding change: c.7973C>T on transcript NM_000540.3 (MANE Select); coding-DNA position 7973, C replaced by T.
Protein change: p.Pro2658Leu; replaces proline 2658 with leucine.
Molecular consequence: missense variant.
Genome position (GRCh38, 1-based): chr19:38,504,266, C>T. VCF-style: chr19-38504266-C-T. GRCh37 (hg19) VCF-style: chr19-38994906-C-T.
Other names: c.7973C>T, p.Pro2658Leu (NM_001042723.2); short protein forms P2658L.
Identifiers: ClinVar variation 5008826 (VCV005008826.1).